The following is an entry in ClinVar:

NM_001145809.2(MYH14):c.4220G>A (p.Arg1407His)

Gene: MYH14 (myosin heavy chain 14; plus strand). Cytogenetic location: 19q13.33.
Variant type: single nucleotide variant.
Coding change: c.4220G>A on transcript NM_001145809.2 (MANE Select); coding-DNA position 4220, G replaced by A.
Protein change: p.Arg1407His; replaces arginine 1407 with histidine.
Molecular consequence: missense variant.
Genome position (GRCh38, 1-based): chr19:50,280,313, G>A. VCF-style: chr19-50280313-G-A. GRCh37 (hg19) VCF-style: chr19-50783570-G-A.
Other names: c.4121G>A, p.Arg1374His (NM_001077186.2); c.4097G>A, p.Arg1366His (NM_024729.4); short protein forms R1366H, R1407H, R1374H.
Identifiers: ClinVar variation 329939 (VCV000329939.53), dbSNP rs553162373, ClinGen allele CA9593462.

ClinVar aggregate classification (germline): Conflicting classifications of pathogenicity. Review status: criteria provided, conflicting classifications (1 of 4 stars). 5 submissions from 5 submitters: Uncertain significance (4); Likely benign (1). Last evaluated 2024-12-23.

Conditions:
Inborn genetic diseases. Identifiers: MedGen C0950123, MeSH D030342.
Autosomal dominant nonsyndromic hearing loss 4A. Also called: Deafness, autosomal dominant 4A. Identifiers: Orphanet 90635, MedGen C1833503, MONDO:0010915, OMIM 600652.

Allele frequency attached by ClinVar (database versions not stated): gnomAD 0.00005 and 0.00006; TOPMed 0.00005; ExAC 0.00011; 1000 Genomes Project 0.00040; 1000 Genomes Project 30x 0.00047.
gnomAD v4.1: 170 of 1,550,618 alleles (0.011%); highest among the groups gnomAD compares: East Asian, 0.032%; no homozygotes.

Submissions (5):

Ambry Genetics
Classification: Uncertain significance for Inborn genetic diseases. Last evaluated: 2024-12-23. Review status: criteria provided, single submitter. Criteria: Ambry Variant Classification Scheme 2023. Collection method: clinical testing. Allele origin: germline.

Labcorp Genetics (formerly Invitae), Labcorp
Classification: Uncertain significance. Last evaluated: 2024-02-14. Review status: criteria provided, single submitter. Criteria: Invitae Variant Classification Sherloc (09022015). Collection method: clinical testing. Allele origin: germline.
Comment: This sequence change replaces arginine, which is basic and polar, with histidine, which is basic and polar, at codon 1366 of the MYH14 protein (p.Arg1366His). This variant is present in population databases (rs553162373, gnomAD 0.02%). This variant has not been reported in the literature in individuals affected with MYH14-related conditions. ClinVar contains an entry for this variant (Variation ID: 329939). Advanced modeling of protein sequence and biophysical properties (such as structural, functional, and spatial information, amino acid conservation, physicochemical variation, residue mobility, and thermodynamic stability) performed at Invitae indicates that this missense variant is not expected to disrupt MYH14 protein function with a negative predictive value of 80%. In summary, the available evidence is currently insufficient to determine the role of this variant in disease. Therefore, it has been classified as a Variant of Uncertain Significance.

GeneDx
Classification: Likely benign. Last evaluated: 2018-12-24. Review status: criteria provided, single submitter. Criteria: GeneDx Variant Classification Process June 2021. Collection method: clinical testing. Allele origin: germline. Affected: yes.

Illumina Laboratory Services, Illumina
Classification: Uncertain significance for Autosomal dominant nonsyndromic hearing loss 4A. Last evaluated: 2018-01-13. Review status: criteria provided, single submitter. Criteria: ICSL Variant Classification Criteria 13 December 2019. Collection method: clinical testing. Allele origin: germline.

CeGaT Center for Human Genetics Tuebingen
Classification: Uncertain significance. Last evaluated: 2017-08-01. Review status: criteria provided, single submitter. Criteria: CeGaT Center For Human Genetics Tuebingen Variant Classification Criteria Version 2. Collection method: clinical testing. Allele origin: germline. Affected: yes. Observed: 2 variant alleles.